The following is an entry in ClinVar:

ClinVar aggregate classification (germline): Uncertain significance (1 of 4 stars; one submission).

Submission:

Labcorp Genetics (formerly Invitae), Labcorp
Classification: Uncertain significance. Last evaluated: 2021-10-30. Review status: criteria provided, single submitter. Criteria: Invitae Variant Classification Sherloc (09022015). Collection method: clinical testing. Allele origin: germline.
Comment: In summary, the available evidence is currently insufficient to determine the role of this variant in disease. Therefore, it has been classified as a Variant of Uncertain Significance. Algorithms developed to predict the effect of missense changes on protein structure and function are either unavailable or do not agree on the potential impact of this missense change (SIFT: "Tolerated"; PolyPhen-2: "Probably Damaging"; Align-GVGD: "Class C0"). This variant has not been reported in the literature in individuals affected with LRRK1-related conditions. This variant is not present in population databases (gnomAD no frequency). This sequence change replaces cysteine, which is neutral and slightly polar, with glycine, which is neutral and non-polar, at codon 1670 of the LRRK1 protein (p.Cys1670Gly).

NM_024652.6(LRRK1):c.5008T>G (p.Cys1670Gly)

Genes: LRRK1-AS1 (LRRK1 antisense RNA 1; minus strand), LRRK1 (leucine rich repeat kinase 1; plus strand). Cytogenetic location: 15q26.3.
Variant type: single nucleotide variant.
Coding change: c.5008T>G on transcript NM_024652.6 (MANE Select); coding-DNA position 5008, T replaced by G.
Protein change: p.Cys1670Gly; replaces cysteine 1670 with glycine.
Molecular consequence: missense variant.
Genome position (GRCh38, 1-based): chr15:101,065,445, T>G. VCF-style: chr15-101065445-T-G. GRCh37 (hg19) VCF-style: chr15-101605650-T-G.
Other names: short protein forms C1670G.
Identifiers: ClinVar variation 1423730 (VCV001423730.6), dbSNP rs2141163286, ClinGen allele CA393959251.